The following is an entry in ClinVar:

ClinVar aggregate classification (germline): Uncertain significance. Review status: criteria provided, single submitter (1 of 4 stars). 3 submissions from 3 submitters: Uncertain significance (1). 2 of the submissions do not count toward it. Last evaluated 2025-09-29.

Conditions:
Ovarian dysgenesis 6. Identifiers: MedGen C4748084, MONDO:0054850, OMIM 618078.

Allele frequency attached by ClinVar (database versions not stated): ExAC 0.00007; gnomAD exomes 0.00007 and 0.00011; gnomAD 0.00019 and 0.00020; TOPMed 0.00020.
gnomAD v4.1: 126 of 1,606,128 alleles (0.0078%); highest among the groups gnomAD compares: Admixed American, 0.05%; no homozygotes.

Submissions (3):

Labcorp Genetics (formerly Invitae), Labcorp
Classification: Uncertain significance. Last evaluated: 2025-09-29. Review status: criteria provided, single submitter. Criteria: Invitae Variant Classification Sherloc (09022015). Collection method: clinical testing. Allele origin: germline.
Comment: This sequence change replaces arginine, which is basic and polar, with histidine, which is basic and polar, at codon 355 of the NUP107 protein (p.Arg355His). This variant is present in population databases (rs747135247, gnomAD 0.03%). This missense change has been observed in individual(s) with clinical features of autosomal recessive ovarian dysgenesis (PMID: 34707299). ClinVar contains an entry for this variant (Variation ID: 1214011). Invitae Evidence Modeling of protein sequence and biophysical properties (such as structural, functional, and spatial information, amino acid conservation, physicochemical variation, residue mobility, and thermodynamic stability) indicates that this missense variant is expected to disrupt NUP107 protein function with a positive predictive value of 80%. This variant disrupts the p.Arg355 amino acid residue in NUP107. Other variant(s) that disrupt this residue have been determined to be pathogenic (PMID: 29363275, 35115167). This suggests that this residue is clinically significant, and that variants that disrupt this residue are likely to be disease-causing. In summary, the available evidence is currently insufficient to determine the role of this variant in disease. Therefore, it has been classified as a Variant of Uncertain Significance.

OMIM
Classification: Pathogenic for OVARIAN DYSGENESIS 6. Last evaluated: 2024-07-23. Review status: no assertion criteria provided. Collection method: literature only. Allele origin: germline. Not counted in ClinVar's aggregate classification.

Reproductive Development, Murdoch Childrens Research Institute
Classification: Likely pathogenic for Ovarian dysgenesis 6. Last evaluated: 2021-02-09. Review status: no assertion criteria provided. Collection method: research. Allele origin: unknown. Affected: yes. Not counted in ClinVar's aggregate classification.

Literature cited by the submitters: PubMed 34707299 (cited by Labcorp Genetics (formerly Invitae), Labcorp and OMIM); PubMed 29363275 (cited by Labcorp Genetics (formerly Invitae), Labcorp); PubMed 35115167 (cited by Labcorp Genetics (formerly Invitae), Labcorp).

NM_020401.4(NUP107):c.1064G>A (p.Arg355His)

Gene: NUP107 (nucleoporin 107; plus strand). Cytogenetic location: 12q15.
Variant type: single nucleotide variant.
Coding change: c.1064G>A on transcript NM_020401.4 (MANE Select); coding-DNA position 1064, G replaced by A.
Protein change: p.Arg355His; replaces arginine 355 with histidine.
Molecular consequence: missense variant.
Genome position (GRCh38, 1-based): chr12:68,715,721, G>A. VCF-style: chr12-68715721-G-A. GRCh37 (hg19) VCF-style: chr12-69109501-G-A.
Other names: c.977G>A, p.Arg326His (NM_001330192.2); short protein forms R326H, R355H.
Identifiers: ClinVar variation 1214011 (VCV001214011.2), dbSNP rs747135247, ClinGen allele CA6677638.
Genomic context (GRCh38, chr12:68,715,721, plus strand): 5'-TTGATGATCTGGATAGAGAAGATGAAGTTAGATTACTCAAATATCTCTTTACTCTAATCC[G>A]TGCTGGAATGACAGAAGAGGTCAGTCATGTATACCCTTCTTGTCTAATTTCAAAAAGTCA-3'
Protein context (NP_065134.1, residues 345-365): RLLKYLFTLI[Arg355His]AGMTEEAQRL